The following is an entry in ClinVar:

NM_024678.6(NARS2):c.451G>A (p.Val151Ile)

Gene: NARS2 (asparaginyl-tRNA synthetase 2, mitochondrial; minus strand). Cytogenetic location: 11q14.1.
Variant type: single nucleotide variant.
Coding change: c.451G>A on transcript NM_024678.6 (MANE Select); coding-DNA position 451, G replaced by A.
Protein change: p.Val151Ile; replaces valine 151 with isoleucine.
Molecular consequence: missense variant. On other transcripts: 5 prime UTR variant (1).
Genome position (GRCh38, 1-based): chr11:78,566,194, C>T on the plus strand (G>A on the coding strand, the complement: NARS2 is on the minus strand). VCF-style: chr11-78566194-C-T. GRCh37 (hg19) VCF-style: chr11-78277240-C-T.
Other names: c.-231G>A (NM_001243251.2); short protein forms V151I.
Identifiers: ClinVar variation 1329786 (VCV001329786.13), dbSNP rs769118312, ClinGen allele CA6205842.

ClinVar aggregate classification (germline): Uncertain significance. Review status: criteria provided, multiple submitters, no conflicts (2 of 4 stars). 6 submissions from 6 submitters: Uncertain significance (6). Last evaluated 2025-10-08.

Conditions:
NARS2-related disorder. Also called: NARS2-related condition.
Inborn genetic diseases. Identifiers: MedGen C0950123, MeSH D030342.

Allele frequency attached by ClinVar (database versions not stated): gnomAD exomes 0.00002; gnomAD 0.00003; TOPMed 0.00005; ExAC 0.00002.
gnomAD v4.1: 30 of 1,613,034 alleles (0.0019%); highest among the groups gnomAD compares: Admixed American, 0.012%; no homozygotes.

Submissions (6):

Ambry Genetics
Classification: Uncertain significance for Inborn genetic diseases. Last evaluated: 2025-10-08. Review status: criteria provided, single submitter. Criteria: Ambry Variant Classification Scheme 2023. Collection method: clinical testing. Allele origin: germline.

PreventionGenetics, part of Exact Sciences
Classification: Uncertain significance for NARS2-related condition. Last evaluated: 2025-01-22. Review status: criteria provided, single submitter. Criteria: ACMG Guidelines, 2015. Collection method: clinical testing. Allele origin: germline.
Comment: The NARS2 c.451G>A variant is predicted to result in the amino acid substitution p.Val151Ile. To our knowledge, this variant has not been reported in the literature. This variant is reported in 0.0080% of alleles in individuals of African descent in gnomAD. At this time, the clinical significance of this variant is uncertain due to the absence of conclusive functional and genetic evidence.

Labcorp Genetics (formerly Invitae), Labcorp
Classification: Uncertain significance. Last evaluated: 2024-02-23. Review status: criteria provided, single submitter. Criteria: Invitae Variant Classification Sherloc (09022015). Collection method: clinical testing. Allele origin: germline.
Comment: This sequence change replaces valine, which is neutral and non-polar, with isoleucine, which is neutral and non-polar, at codon 151 of the NARS2 protein (p.Val151Ile). This variant is present in population databases (rs769118312, gnomAD 0.008%). This variant has not been reported in the literature in individuals affected with NARS2-related conditions. ClinVar contains an entry for this variant (Variation ID: 1329786). Advanced modeling of protein sequence and biophysical properties (such as structural, functional, and spatial information, amino acid conservation, physicochemical variation, residue mobility, and thermodynamic stability) performed at Invitae indicates that this missense variant is not expected to disrupt NARS2 protein function with a negative predictive value of 80%. In summary, the available evidence is currently insufficient to determine the role of this variant in disease. Therefore, it has been classified as a Variant of Uncertain Significance.

GeneDx
Classification: Uncertain significance. Last evaluated: 2022-06-15. Review status: criteria provided, single submitter. Criteria: GeneDx Variant Classification Process June 2021. Collection method: clinical testing. Allele origin: germline. Affected: yes.
Comment: Not observed at significant frequency in large population cohorts (gnomAD); In silico analysis supports that this missense variant does not alter protein structure/function; Has not been previously published as pathogenic or benign to our knowledge

Blueprint Genetics
Classification: Uncertain significance. Last evaluated: 2021-07-12. Review status: criteria provided, single submitter. Criteria: ACMG Guidelines, 2015. Collection method: clinical testing. Allele origin: germline.

Breakthrough Genomics
Classification: Uncertain significance. Review status: criteria provided, single submitter. Criteria: ACMG Guidelines, 2015. Collection method: not provided. Allele origin: germline. Inheritance: Autosomal recessive inheritance. Affected: yes.